The following is an entry in ClinVar:

ClinVar aggregate classification (germline): Benign/Likely benign. Review status: criteria provided, multiple submitters, no conflicts (2 of 4 stars). 2 submissions from 2 submitters: Benign (1); Likely benign (1). Last evaluated 2025-11-27.

Allele frequency attached by ClinVar (database versions not stated): gnomAD exomes 0.00008 and 0.00023; ExAC 0.00025; ESP Exome Variant Server 0.00062; gnomAD 0.00091 and 0.00092; TOPMed 0.00091; 1000 Genomes Project 30x 0.00203; 1000 Genomes Project 0.00220.
gnomAD v4.1: 268 of 1,613,400 alleles (0.017%); highest among the groups gnomAD compares: African/African-American, 0.3%; 1 homozygote.

Submissions (2):

Labcorp Genetics (formerly Invitae), Labcorp
Classification: Benign. Last evaluated: 2025-11-27. Review status: criteria provided, single submitter. Criteria: Invitae Variant Classification Sherloc (09022015). Collection method: clinical testing. Allele origin: germline.

CeGaT Center for Human Genetics Tuebingen
Classification: Likely benign. Last evaluated: 2022-09-01. Review status: criteria provided, single submitter. Criteria: CeGaT Center For Human Genetics Tuebingen Variant Classification Criteria Version 2. Collection method: clinical testing. Allele origin: germline. Affected: yes. Observed: 1 variant allele.
Comment: TONSL: BP4, BP7

NM_013432.5(TONSL):c.3513C>T (p.Pro1171=)

Gene: TONSL (tonsoku like, DNA repair protein; minus strand). Cytogenetic location: 8q24.3.
Variant type: single nucleotide variant.
Coding change: c.3513C>T on transcript NM_013432.5 (MANE Select); coding-DNA position 3513, C replaced by T.
Protein change: p.Pro1171=; no amino-acid change (proline 1171 retained).
Molecular consequence: synonymous variant.
Genome position (GRCh38, 1-based): chr8:144,433,634, G>A on the plus strand (C>T on the coding strand, the complement: TONSL is on the minus strand). VCF-style: chr8-144433634-G-A. GRCh37 (hg19) VCF-style: chr8-145659017-G-A.
Identifiers: ClinVar variation 1169521 (VCV001169521.31), dbSNP rs139402752, ClinGen allele CA4942492.